The following is an entry in ClinVar:

NM_001105206.3(LAMA4):c.2640G>T (p.Gln880His)

Gene: LAMA4 (laminin subunit alpha 4; minus strand). Cytogenetic location: 6q21.
Variant type: single nucleotide variant.
Coding change: c.2640G>T on transcript NM_001105206.3 (MANE Select); coding-DNA position 2640, G replaced by T.
Protein change: p.Gln880His; replaces glutamine 880 with histidine.
Molecular consequence: missense variant.
Genome position (GRCh38, 1-based): chr6:112,142,146, C>A on the plus strand (G>T on the coding strand, the complement: LAMA4 is on the minus strand). VCF-style: chr6-112142146-C-A. GRCh37 (hg19) VCF-style: chr6-112463348-C-A.
Other names: c.2619G>T, p.Gln873His (NM_001105207.3, NM_002290.5); short protein forms Q873H, Q880H.
Identifiers: ClinVar variation 44364 (VCV000044364.5), dbSNP rs397516725, ClinGen allele CA134024.

ClinVar aggregate classification (germline): Uncertain significance (1 of 4 stars; one submission).

Submission:

Laboratory for Molecular Medicine, Mass General Brigham Personalized Medicine
Classification: Uncertain significance. Last evaluated: 2019-12-11. Review status: criteria provided, single submitter. Criteria: LMM Criteria. Collection method: clinical testing. Allele origin: germline. Observed: 1 variant allele.
Comment: proposed classification - variant undergoing re-assessment, contact laboratory